The following is an entry in ClinVar:

NM_015665.6(AAAS):c.638G>C (p.Cys213Ser)

Gene: AAAS (aladin WD repeat nucleoporin; minus strand). Cytogenetic location: 12q13.13.
Variant type: single nucleotide variant.
Coding change: c.638G>C on transcript NM_015665.6 (MANE Select); coding-DNA position 638, G replaced by C.
Protein change: p.Cys213Ser; replaces cysteine 213 with serine.
Molecular consequence: missense variant.
Genome position (GRCh38, 1-based): chr12:53,314,349, C>G on the plus strand (G>C on the coding strand, the complement: AAAS is on the minus strand). VCF-style: chr12-53314349-C-G. GRCh37 (hg19) VCF-style: chr12-53708133-C-G.
Other names: c.539G>C, p.Cys180Ser (NM_001173466.2); c.638G>C (NM_015665.5); short protein forms C180S, C213S.
Identifiers: ClinVar variation 1524945 (VCV001524945.9), dbSNP rs144873582, ClinGen allele CA6599141.

ClinVar aggregate classification (germline): Uncertain significance. Review status: criteria provided, multiple submitters, no conflicts (2 of 4 stars). 5 submissions from 5 submitters: Uncertain significance (5). Last evaluated 2023-11-17.

Conditions:
Inborn genetic diseases. Identifiers: MedGen C0950123, MeSH D030342.
Glucocorticoid deficiency with achalasia (AAAS). Also called: ALACRIMA-ACHALASIA-ADRENAL INSUFFICIENCY NEUROLOGIC DISORDER; Addisonian achalasia syndrome; AAA syndrome; Allgrove syndrome; Achalasia-addisonianism-alacrimia syndrome; Triple-A syndrome. Identifiers: Orphanet 869, MedGen C0271742, MONDO:0009279, OMIM 231550.

Allele frequency attached by ClinVar (database versions not stated): gnomAD exomes 0.00024 and 0.00044; TOPMed 0.00025; ExAC 0.00026; gnomAD 0.00030 and 0.00031; ESP Exome Variant Server 0.00031.
gnomAD v4.1: 680 of 1,614,056 alleles (0.042%); highest among the groups gnomAD compares: Non-Finnish European, 0.054%; no homozygotes.

Submissions (6):

Ambry Genetics
Classification: Uncertain significance for Inborn genetic diseases. Last evaluated: 2023-11-17. Review status: criteria provided, single submitter. Criteria: Ambry Variant Classification Scheme 2023. Collection method: clinical testing. Allele origin: germline.
Comment: The c.638G>C (p.C213S) alteration is located in coding exon 7 of the AAAS gene. This alteration results from a G to C substitution at nucleotide position 638, causing the cysteine (C) at amino acid position 213 to be replaced by a serine (S). Based on data from gnomAD, the C allele has an overall frequency of 0.024% (68/282774) total alleles studied. The highest observed frequency was 0.047% (61/129096) of European (non-Finnish) alleles. This amino acid position is highly conserved in available vertebrate species. This alteration is predicted to be deleterious by in silico analysis. Based on insufficient or conflicting evidence, the clinical significance of this alteration remains unclear.

Greenwood Genetic Center Diagnostic Laboratories, Greenwood Genetic Center
Classification: Uncertain significance. Last evaluated: 2023-03-10. Review status: criteria provided, single submitter. Criteria: ACMG Guidelines, 2015. Collection method: clinical testing. Allele origin: germline. Affected: yes.
Comment: PM2, PP3

Labcorp Genetics (formerly Invitae), Labcorp
Classification: Uncertain significance. Last evaluated: 2022-07-08. Review status: criteria provided, single submitter. Criteria: Invitae Variant Classification Sherloc (09022015). Collection method: clinical testing. Allele origin: germline.
Comment: This sequence change replaces cysteine, which is neutral and slightly polar, with serine, which is neutral and polar, at codon 213 of the AAAS protein (p.Cys213Ser). This variant is present in population databases (rs144873582, gnomAD 0.04%). This variant has not been reported in the literature in individuals affected with AAAS-related conditions. ClinVar contains an entry for this variant (Variation ID: 1524945). Algorithms developed to predict the effect of missense changes on protein structure and function (SIFT, PolyPhen-2, Align-GVGD) all suggest that this variant is likely to be disruptive. In summary, the available evidence is currently insufficient to determine the role of this variant in disease. Therefore, it has been classified as a Variant of Uncertain Significance.

Fulgent Genetics
Classification: Uncertain significance for Glucocorticoid deficiency with achalasia. Last evaluated: 2022-01-28. Review status: criteria provided, single submitter. Criteria: ACMG Guidelines, 2015. Collection method: clinical testing. Allele origin: unknown.

Department of Pathology and Laboratory Medicine, Sinai Health System
Classification: Uncertain significance for triple-A syndrome. Last evaluated: 2021-08-04. Review status: criteria provided, single submitter. Criteria: ACMG Guidelines, 2015. Collection method: research. Allele origin: germline.

Dr. Peter K. Rogan Lab, Western University
No classification provided (evidence only). Condition: Colon adenocarcinoma. Review status: no classification provided. Collection method: in vitro. Allele origin: not applicable. Functional consequence: retained intron. Not counted in ClinVar's aggregate classification.